The following is an entry in ClinVar:

ClinVar aggregate classification (germline): Uncertain significance (1 of 4 stars; one submission).

Conditions:
Pitt-Hopkins-like syndrome 2 (PTHSL2). Identifiers: Orphanet 221150, Orphanet 600663, MedGen C3280479, MONDO:0013690, OMIM 614325.

Allele frequency attached by ClinVar (database versions not stated): gnomAD exomes below 0.00001 and 0.00001; ExAC 0.00001; gnomAD 0.00001.
gnomAD v4.1: 5 of 1,612,414 alleles (0.00031%); highest among the groups gnomAD compares: Admixed American, 0.005%; no homozygotes.

Submission:

Labcorp Genetics (formerly Invitae), Labcorp
Classification: Uncertain significance for Pitt-Hopkins-like syndrome 2. Last evaluated: 2023-12-22. Review status: criteria provided, single submitter. Criteria: Invitae Variant Classification Sherloc (09022015). Collection method: clinical testing. Allele origin: germline.
Comment: This sequence change replaces alanine, which is neutral and non-polar, with valine, which is neutral and non-polar, at codon 166 of the NRXN1 protein (p.Ala166Val). This variant is present in population databases (rs752469666, gnomAD 0.003%). This variant has not been reported in the literature in individuals affected with NRXN1-related conditions. ClinVar contains an entry for this variant (Variation ID: 1388971). An algorithm developed to predict the effect of missense changes on protein structure and function (PolyPhen-2) suggests that this variant is likely to be tolerated. In summary, the available evidence is currently insufficient to determine the role of this variant in disease. Therefore, it has been classified as a Variant of Uncertain Significance.

NM_001330078.2(NRXN1):c.497C>T (p.Ala166Val)

Gene: NRXN1 (neurexin 1; minus strand). Cytogenetic location: 2p16.3.
Variant type: single nucleotide variant.
Coding change: c.497C>T on transcript NM_001330078.2 (MANE Select); coding-DNA position 497, C replaced by T.
Protein change: p.Ala166Val; replaces alanine 166 with valine.
Molecular consequence: missense variant.
Genome position (GRCh38, 1-based): chr2:51,027,777, G>A on the plus strand (C>T on the coding strand, the complement: NRXN1 is on the minus strand). VCF-style: chr2-51027777-G-A. GRCh37 (hg19) VCF-style: chr2-51254915-G-A.
Other names: c.497C>T, p.Ala166Val (NM_001135659.3, NM_001330077.2, NM_001330079.2 and 15 more transcripts); short protein forms A166V.
Identifiers: ClinVar variation 1388971 (VCV001388971.8), dbSNP rs752469666, ClinGen allele CA316129.